The following is an entry in ClinVar:

NM_000057.4(BLM):c.4108A>G (p.Lys1370Glu)

Gene: BLM (BLM RecQ like helicase; plus strand). Cytogenetic location: 15q26.1.
Variant type: single nucleotide variant.
Coding change: c.4108A>G on transcript NM_000057.4 (MANE Select); coding-DNA position 4108, A replaced by G.
Protein change: p.Lys1370Glu; replaces lysine 1370 with glutamic acid.
Molecular consequence: missense variant.
Genome position (GRCh38, 1-based): chr15:90,815,133, A>G. VCF-style: chr15-90815133-A-G. GRCh37 (hg19) VCF-style: chr15-91358363-A-G.
Other names: c.4108A>G, p.Lys1370Glu (NM_001287246.2); c.3715A>G, p.Lys1239Glu (NM_001287247.2); c.2983A>G, p.Lys995Glu (NM_001287248.2); short protein forms K1370E, K995E, K1239E.
Identifiers: ClinVar variation 1737893 (VCV001737893.3), dbSNP rs2505575149, ClinGen allele CA393852141.

ClinVar aggregate classification (germline): Uncertain significance (1 of 4 stars; one submission).

Conditions:
Hereditary cancer-predisposing syndrome. Also called: Neoplastic Syndromes, Hereditary; Tumor predisposition; Hereditary Cancer Syndrome; Hereditary neoplastic syndrome. Identifiers: Orphanet 140162, MedGen C0027672, MeSH D009386, MONDO:0015356.

Submission:

Ambry Genetics
Classification: Uncertain significance for Hereditary cancer-predisposing syndrome. Last evaluated: 2024-11-23. Review status: criteria provided, single submitter. Criteria: Ambry Variant Classification Scheme 2023. Collection method: clinical testing. Allele origin: germline.
Comment: The p.K1370E variant (also known as c.4108A>G), located in coding exon 21 of the BLM gene, results from an A to G substitution at nucleotide position 4108. The lysine at codon 1370 is replaced by glutamic acid, an amino acid with similar properties. This amino acid position is conserved. In addition, this alteration is predicted to be tolerated by in silico analysis. Since supporting evidence is limited at this time, the clinical significance of this alteration remains unclear.